The following is an entry in ClinVar:

ClinVar aggregate classification (germline): Pathogenic (1 of 4 stars; one submission).

Conditions:
Diamond-Blackfan anemia. Also called: Blackfan Diamond syndrome; Aregenerative anemia chronic congenital; Red cell aplasia, pure hereditary; Congenital hypoplastic anemia; Aase syndrome. Identifiers: Orphanet 124, MedGen C1260899, MeSH D029503, MONDO:0015253, HP:0004810.

Submission:

Labcorp Genetics (formerly Invitae), Labcorp
Classification: Pathogenic for Diamond-Blackfan anemia. Last evaluated: 2021-10-02. Review status: criteria provided, single submitter. Criteria: Invitae Variant Classification Sherloc (09022015). Collection method: clinical testing. Allele origin: germline.
Comment: For these reasons, this variant has been classified as Pathogenic. This variant has not been reported in the literature in individuals affected with RPL11-related conditions. This variant is not present in population databases (ExAC no frequency). This sequence change creates a premature translational stop signal (p.Ser51Phefs*4) in the RPL11 gene. It is expected to result in an absent or disrupted protein product. Loss-of-function variants in RPL11 are known to be pathogenic (PMID: 19061985, 19773262).

Literature cited by the submitters: PubMed 19061985; PubMed 19773262.

NM_000975.5(RPL11):c.151dup (p.Ser51fs)

Gene: RPL11 (ribosomal protein L11; plus strand). Cytogenetic location: 1p36.11.
Variant type: Duplication.
Coding change: c.151dup on transcript NM_000975.5 (MANE Select); coding-DNA position 151, one base duplicated (T; older notation c.151dupT).
Protein change: p.Ser51fs; shifts the reading frame from serine 51.
Molecular consequence: frameshift variant.
Genome position (GRCh38, 1-based): chr1:23,692,753, T duplicated; the last of 4 consecutive T bases (chr1:23,692,750-23,692,753); duplicating any one gives the same sequence. VCF-style (leftmost placement, unchanged base first): chr1-23692749-G-GT. GRCh37 (hg19) VCF-style: chr1-24019239-G-GT.
Other names: c.148dup, p.Ser50fs (NM_001199802.1); short protein forms S50fs, S51fs.
Identifiers: ClinVar variation 1363160 (VCV001363160.6), dbSNP rs2124429183, ClinGen allele CA2573132151.
Genomic context (GRCh38, chr1:23,692,749, plus strand): 5'-TGGAGACAGACTGACGCGAGCAGCCAAGGTGTTGGAGCAGCTCACAGGGCAGACCCCTGT[G>GT]TTTTCCAAAGGTGAGTAGTCACAAGGACATACAGGGTTTGCCTGCTTGGGTCGCTTGGTT-3'